The following is an entry in ClinVar:

NM_013275.6(ANKRD11):c.541G>A (p.Ala181Thr)

Gene: ANKRD11 (ankyrin repeat domain 11; minus strand). Cytogenetic location: 16q24.3.
Variant type: single nucleotide variant.
Coding change: c.541G>A on transcript NM_013275.6 (MANE Select); coding-DNA position 541, G replaced by A.
Protein change: p.Ala181Thr; replaces alanine 181 with threonine.
Molecular consequence: missense variant. On other transcripts: non-coding transcript variant (1).
Genome position (GRCh38, 1-based): chr16:89,290,685, C>T on the plus strand (G>A on the coding strand, the complement: ANKRD11 is on the minus strand). VCF-style: chr16-89290685-C-T. GRCh37 (hg19) VCF-style: chr16-89357093-C-T.
Other names: c.541G>A, p.Ala181Thr (NM_001256182.2, NM_001256183.2); short protein forms A181T.
Identifiers: ClinVar variation 383394 (VCV000383394.11), dbSNP rs777123332, ClinGen allele CA8243066.

ClinVar aggregate classification (germline): Benign/Likely benign. Review status: criteria provided, multiple submitters, no conflicts (2 of 4 stars). 5 submissions from 5 submitters: Benign (1); Likely benign (3). 1 of the submissions does not count toward it. Last evaluated 2024-10-29.

Conditions:
KBG syndrome (KBGS). Also called: ANKRD11-Related KBG Syndrome. Identifiers: Orphanet 2332, MedGen C0220687, MONDO:0007846, OMIM 148050.
ANKRD11-related disorder. Also called: ANKRD11-related condition.

Allele frequency attached by ClinVar (database versions not stated): gnomAD 0.00003; TOPMed 0.00003; gnomAD exomes 0.00004; ExAC 0.00005.
gnomAD v4.1: 74 of 1,613,856 alleles (0.0046%); highest among the groups gnomAD compares: Middle Eastern, 0.066%; 1 homozygote.

Submissions (5):

Labcorp Genetics (formerly Invitae), Labcorp
Classification: Benign for KBG syndrome. Last evaluated: 2024-10-29. Review status: criteria provided, single submitter. Criteria: Invitae Variant Classification Sherloc (09022015). Collection method: clinical testing. Allele origin: germline.

Blueprint Genetics
Classification: Likely benign. Last evaluated: 2024-10-15. Review status: criteria provided, single submitter. Criteria: ACMG Guidelines, 2015. Collection method: clinical testing. Allele origin: germline.

Genomic Research Center, Shahid Beheshti University of Medical Sciences
Classification: Likely benign for KBG syndrome. Last evaluated: 2019-01-01. Review status: criteria provided, single submitter. Criteria: ACMG Guidelines, 2015. Collection method: clinical testing. Allele origin: unknown. Affected: yes. Observed: 2 variant alleles.

GeneDx
Classification: Likely benign. Last evaluated: 2016-01-29. Review status: criteria provided, single submitter. Criteria: GeneDx Variant Classification (06012015). Collection method: clinical testing. Allele origin: germline. Affected: yes.
Comment: This variant is considered likely benign or benign based on one or more of the following criteria: it is a conservative change, it occurs at a poorly conserved position in the protein, it is predicted to be benign by multiple in silico algorithms, and/or has population frequency not consistent with disease.

PreventionGenetics, part of Exact Sciences
Classification: Likely benign for ANKRD11-related condition. Last evaluated: 2023-04-26. Review status: no assertion criteria provided. Collection method: clinical testing. Allele origin: germline. Not counted in ClinVar's aggregate classification.
Comment: This variant is classified as likely benign based on ACMG/AMP sequence variant interpretation guidelines (Richards et al. 2015 PMID: 25741868, with internal and published modifications).